The following is an entry in ClinVar:

NM_015046.7(SETX):c.1252C>T (p.Leu418Phe)

Gene: SETX (senataxin; minus strand). Cytogenetic location: 9q34.13.
Variant type: single nucleotide variant.
Coding change: c.1252C>T on transcript NM_015046.7 (MANE Select); coding-DNA position 1252, C replaced by T.
Protein change: p.Leu418Phe; replaces leucine 418 with phenylalanine.
Molecular consequence: missense variant.
Genome position (GRCh38, 1-based): chr9:132,330,346, G>A on the plus strand (C>T on the coding strand, the complement: SETX is on the minus strand). VCF-style: chr9-132330346-G-A. GRCh37 (hg19) VCF-style: chr9-135205733-G-A.
Other names: c.1252C>T, p.Leu418Phe (NM_001351527.2, NM_001351528.2); short protein forms L418F.
Identifiers: ClinVar variation 3774572 (VCV003774572.1).
Genomic context (GRCh38, chr9:132,330,346, plus strand): 5'-AGTACAGATGATTAACAACCTGTGCTATGTAAGCCACACCCAAATCCTTAAGATCCATGA[G>A]GGACTGGACAAAAGGGATGAACCATAGAAATGTGCTGTTATGAACACGCATGTCTTGACC-3'
Protein context (NP_055861.3, residues 408-428): FLWFIPFVQS[Leu418Phe]MDLKDLGVAY

ClinVar aggregate classification (germline): Uncertain significance (1 of 4 stars; one submission).

Conditions:
Amyotrophic lateral sclerosis type 4 (ALS4). Also called: AMYOTROPHIC LATERAL SCLEROSIS 4, JUVENILE; NEURONOPATHY, DISTAL HEREDITARY MOTOR, WITH PYRAMIDAL FEATURES. Identifiers: Orphanet 357043, MedGen C1865409, MONDO:0011223, OMIM 602433.

gnomAD v4.1: 2 of 1,613,902 alleles (0.00012%); highest among the groups gnomAD compares: Non-Finnish European, 0.000085%; no homozygotes.

Submission:

MVZ Medizinische Genetik Mainz
Classification: Uncertain significance for Amyotrophic lateral sclerosis type 4. Last evaluated: 2025-03-12. Review status: criteria provided, single submitter. Criteria: UK Practice Guidelines For Variant Classification V4 01 2020. Collection method: clinical testing. Allele origin: germline. Inheritance: Autosomal dominant inheritance. Affected: yes. Observed: 1 variant allele.
Comment: ACMG Criteria: PM1_SUP,PM2_SUP,PP2